The following is an entry in ClinVar:

NM_000360.4(TH):c.12dup (p.Asp5fs)

Gene: TH (tyrosine hydroxylase; minus strand). Cytogenetic location: 11p15.5.
Variant type: Duplication.
Coding change: c.12dup on transcript NM_000360.4 (MANE Select); coding-DNA position 12, one base duplicated (C; older notation c.12dupC).
Protein change: p.Asp5fs; shifts the reading frame from aspartic acid 5.
Molecular consequence: frameshift variant.
Genome position (GRCh38, 1-based): chr11:2,171,775, G duplicated on the plus strand (C on the coding strand, the reverse complement: TH is on the minus strand); the first of 5 consecutive G bases (chr11:2,171,775-2,171,779); duplicating any one gives the same sequence. VCF-style (leftmost placement, unchanged base first): chr11-2171774-C-CG. GRCh37 (hg19) VCF-style: chr11-2193004-C-CG.
Other names: c.12dup, p.Asp5fs (NM_199292.3, NM_199293.3); short protein forms D5fs.
Identifiers: ClinVar variation 370720 (VCV000370720.7), dbSNP rs1057516716, ClinGen allele CA16041468.

ClinVar aggregate classification (germline): Pathogenic. Review status: criteria provided, single submitter (1 of 4 stars). 2 submissions from 2 submitters: Pathogenic (1). 1 of the submissions does not count toward it. Last evaluated 2021-12-14.

Conditions:
TH-deficient dopa-responsive dystonia. Also called: Segawa syndrome, autosomal recessive; Tyrosine Hydroxylase-Deficient Dopa-Responsive Dystonia; DYT-TH. Identifiers: Orphanet 101150, MedGen C2673535, MONDO:0011551, OMIM 605407.

Submissions (2):

Labcorp Genetics (formerly Invitae), Labcorp
Classification: Pathogenic for TH-deficient dopa-responsive dystonia. Last evaluated: 2021-12-14. Review status: criteria provided, single submitter. Criteria: Invitae Variant Classification Sherloc (09022015). Collection method: clinical testing. Allele origin: germline.
Comment: This sequence change creates a premature translational stop signal (p.Asp5Argfs*16) in the TH gene. It is expected to result in an absent or disrupted protein product. Loss-of-function variants in TH are known to be pathogenic (PMID: 22264700, 24753243). This variant is not present in population databases (gnomAD no frequency). This variant has not been reported in the literature in individuals affected with TH-related conditions. ClinVar contains an entry for this variant (Variation ID: 370720). For these reasons, this variant has been classified as Pathogenic.

Counsyl
Classification: Likely pathogenic for TH-deficient dopa-responsive dystonia. Last evaluated: 2016-03-29. Review status: no assertion criteria provided. Collection method: clinical testing. Allele origin: unknown. Not counted in ClinVar's aggregate classification.

Literature cited by the submitters: PubMed 22264700 (cited by Labcorp Genetics (formerly Invitae), Labcorp); PubMed 24753243 (cited by Labcorp Genetics (formerly Invitae), Labcorp).